The following is an entry in ClinVar:

ClinVar aggregate classification (germline): Uncertain significance (1 of 4 stars; one submission).

Conditions:
Familial cancer of breast. Also called: hereditary breast carcinoma; Hereditary breast cancer; BREAST CANCER, FAMILIAL. Identifiers: Orphanet 227535, MedGen C0346153, MONDO:0016419, OMIM 114480. Disease mechanism: loss of function.

Submission:

Labcorp Genetics (formerly Invitae), Labcorp
Classification: Uncertain significance for Familial cancer of breast. Last evaluated: 2024-12-30. Review status: criteria provided, single submitter. Criteria: Invitae Variant Classification Sherloc (09022015). Collection method: clinical testing. Allele origin: germline.
Comment: This sequence change replaces alanine, which is neutral and non-polar, with glutamic acid, which is acidic and polar, at codon 339 of the PALB2 protein (p.Ala339Glu). This variant is not present in population databases (gnomAD no frequency). This variant has not been reported in the literature in individuals affected with PALB2-related conditions. Invitae Evidence Modeling of protein sequence and biophysical properties (such as structural, functional, and spatial information, amino acid conservation, physicochemical variation, residue mobility, and thermodynamic stability) indicates that this missense variant is not expected to disrupt PALB2 protein function with a negative predictive value of 80%. In summary, the available evidence is currently insufficient to determine the role of this variant in disease. Therefore, it has been classified as a Variant of Uncertain Significance.

NM_024675.4(PALB2):c.1016C>A (p.Ala339Glu)

Gene: PALB2 (partner and localizer of BRCA2; minus strand). Cytogenetic location: 16p12.2.
Variant type: single nucleotide variant.
Coding change: c.1016C>A on transcript NM_024675.4 (MANE Select); coding-DNA position 1016, C replaced by A.
Protein change: p.Ala339Glu; replaces alanine 339 with glutamic acid.
Molecular consequence: missense variant. On other transcripts: intron variant (3).
Genome position (GRCh38, 1-based): chr16:23,635,530, G>T on the plus strand (C>A on the coding strand, the complement: PALB2 is on the minus strand). VCF-style: chr16-23635530-G-T. GRCh37 (hg19) VCF-style: chr16-23646851-G-T.
Other names: c.131C>A, p.Ala44Glu (NM_001407306.1, NM_001407307.1, NM_001407308.1 and 5 more transcripts); c.956C>A, p.Ala319Glu (NM_001407296.1); c.1016C>A, p.Ala339Glu (NM_001407297.1, NM_001407298.1, NM_001407299.1 and 3 more transcripts); c.48+5580C>A (NM_001407314.1); c.-104-5061C>A (NM_001407313.1, NM_001407312.1); short protein forms A44E, A339E, A319E.
Identifiers: ClinVar variation 3666354 (VCV003666354.2).